The following is an entry in ClinVar:

ClinVar aggregate classification (germline): Conflicting classifications of pathogenicity. Review status: criteria provided, conflicting classifications (1 of 4 stars). 3 submissions from 2 submitters: Uncertain significance (2); Benign (1). Last evaluated 2018-01-12.

Conditions:
Muscular dystrophy-dystroglycanopathy (congenital with brain and eye anomalies), type A, 4 (MDDGA4). Also called: Muscular dystrophy, congenital progressive, with mental retardation; Muscular dystrophy, congenital, with central nervous system involvement; Cerebromuscular dystrophy, Fukuyama type; Walker-Warburg Syndrome, Fktn-Related; Fukuyama congenital muscular dystrophy; Congenital muscular dystrophy-dystroglycanopathy with brain and eye anomalies, type A4. Identifiers: Orphanet 272, Orphanet 588, Orphanet 899, MedGen C0410174, MONDO:0009678, OMIM 253800.
Dilated cardiomyopathy 1X (CMD1X). Also called: FKTN-Related Dilated Cardiomyopathy; CARDIOMYOPATHY, DILATED, WITH MILD OR NO PROXIMAL MUSCLE WEAKNESS. Identifiers: Orphanet 154, MedGen C1969024, MONDO:0012704, OMIM 611615.

Allele frequency attached by ClinVar (database versions not stated): gnomAD exomes 0.00022; TOPMed 0.00189; gnomAD 0.00198 and 0.00212; 1000 Genomes Project 30x 0.00234; 1000 Genomes Project 0.00240.
gnomAD v4.1: 444 of 776,074 alleles (0.057%); highest among the groups gnomAD compares: African/African-American, 0.67%; 5 homozygotes.

Submissions (3):

Illumina Laboratory Services, Illumina
Classification: Uncertain significance for Dilated cardiomyopathy 1X. Last evaluated: 2018-01-12. Review status: criteria provided, single submitter. Criteria: ICSL Variant Classification Criteria 13 December 2019. Collection method: clinical testing. Allele origin: germline.

Illumina Laboratory Services, Illumina
Classification: Uncertain significance for Muscular dystrophy-dystroglycanopathy (congenital with brain and eye anomalies), type A, 4. Last evaluated: 2018-01-12. Review status: criteria provided, single submitter. Criteria: ICSL Variant Classification Criteria 13 December 2019. Collection method: clinical testing. Allele origin: germline.

GeneDx
Classification: Benign. Last evaluated: 2014-03-07. Review status: criteria provided, single submitter. Criteria: GeneDx Variant Classification (06012015). Collection method: clinical testing. Allele origin: germline. Affected: yes.
Comment: This variant is considered likely benign or benign based on one or more of the following criteria: it is a conservative change, it occurs at a poorly conserved position in the protein, it is predicted to be benign by multiple in silico algorithms, and/or has population frequency not consistent with disease.

NM_001079802.2(FKTN):c.-88-6T>C

Gene: FKTN (fukutin; plus strand). Cytogenetic location: 9q31.2.
Variant type: single nucleotide variant.
Coding change: c.-88-6T>C on transcript NM_001079802.2 (MANE Select); 6 bases into the intron before 88 bases upstream of the start codon, T replaced by C.
Molecular consequence: intron variant.
Genome position (GRCh38, 1-based): chr9:105,574,939, T>C. VCF-style: chr9-105574939-T-C. GRCh37 (hg19) VCF-style: chr9-108337220-T-C.
Other names: c.-88-6T>C (NM_006731.2, NM_001351496.2, NM_001198963.2 and 1 more transcripts); c.-602-6T>C (NM_001351502.2, NM_001351499.2, NM_001351500.2 and 1 more transcripts); c.-255-6T>C (NM_001351497.2).
Identifiers: ClinVar variation 137383 (VCV000137383.5), dbSNP rs115730708, ClinGen allele CA290940.